The following is an entry in ClinVar:

ClinVar aggregate classification (germline): Likely benign (1 of 4 stars; one submission).

Allele frequency attached by ClinVar (database versions not stated): 1000 Genomes Project 0.00060.

Submission:

CeGaT Center for Human Genetics Tuebingen
Classification: Likely benign. Last evaluated: 2023-01-01. Review status: criteria provided, single submitter. Criteria: CeGaT Center For Human Genetics Tuebingen Variant Classification Criteria Version 2. Collection method: clinical testing. Allele origin: germline. Affected: yes. Observed: 2 variant alleles.
Comment: CD209: BP4, BP7

NM_021155.4(CD209):c.669G>A (p.Lys223=)

Gene: CD209 (CD209 molecule; minus strand). Cytogenetic location: 19p13.2.
Variant type: single nucleotide variant.
Coding change: c.669G>A on transcript NM_021155.4 (MANE Select); coding-DNA position 669, G replaced by A.
Protein change: p.Lys223=; no amino-acid change (lysine 223 retained).
Molecular consequence: synonymous variant. On other transcripts: non-coding transcript variant (1), intron variant (3).
Genome position (GRCh38, 1-based): chr19:7,745,597, C>T on the plus strand (G>A on the coding strand, the complement: CD209 is on the minus strand). VCF-style: chr19-7745597-C-T. GRCh37 (hg19) VCF-style: chr19-7810483-C-T.
Other names: c.537G>A, p.Lys179= (NM_001144894.2); c.597G>A, p.Lys199= (NM_001144896.2); c.669G>A, p.Lys223= (NM_001144897.2); c.340+197G>A (NM_001144893.2); c.265+404G>A (NM_001144899.2); c.472+197G>A (NM_001144895.2).
Identifiers: ClinVar variation 2649174 (VCV002649174.24), dbSNP rs11465379, ClinGen allele CA9146003.
Genomic context (GRCh38, chr19:7,745,597, plus strand): 5'-GGTCAGCTCCTGGTAGATCTCCTGCTGCTTAGATTTCTCTGGAAGCTCACCCACTGCAGC[C>T]TTCAGCCGGGTCAGCTCCTGGTAGATCTCCTGCTGCTTAGATTTCTCTGGAAGCTCACCC-3'
Protein context (NP_066978.1, residues 213-233): QEIYQELTRL[Lys223=]AAVGELPEKS